The following is an entry in ClinVar:

ClinVar aggregate classification (germline): Uncertain significance (1 of 4 stars; one submission).

Conditions:
Multiple endocrine neoplasia, type 1 (MEN1). Also called: MEN I; WERMER SYNDROME; Endocrine adenomatosis multiple; MEN 1; MEA I. Identifiers: Orphanet 652, MedGen C0025267, MeSH D018761, MONDO:0007540, OMIM 131100.

Submission:

Labcorp Genetics (formerly Invitae), Labcorp
Classification: Uncertain significance for Multiple endocrine neoplasia, type 1. Last evaluated: 2024-12-08. Review status: criteria provided, single submitter. Criteria: Invitae Variant Classification Sherloc (09022015). Collection method: clinical testing. Allele origin: germline.
Comment: This sequence change replaces proline, which is neutral and non-polar, with arginine, which is basic and polar, at codon 538 of the MEN1 protein (p.Pro538Arg). This variant is not present in population databases (gnomAD no frequency). This variant has not been reported in the literature in individuals affected with MEN1-related conditions. Invitae Evidence Modeling of protein sequence and biophysical properties (such as structural, functional, and spatial information, amino acid conservation, physicochemical variation, residue mobility, and thermodynamic stability) indicates that this missense variant is not expected to disrupt MEN1 protein function with a negative predictive value of 95%. In summary, the available evidence is currently insufficient to determine the role of this variant in disease. Therefore, it has been classified as a Variant of Uncertain Significance.

NM_001370259.2(MEN1):c.1613C>G (p.Pro538Arg)

Gene: MEN1 (menin 1; minus strand). Cytogenetic location: 11q13.1.
Variant type: single nucleotide variant.
Coding change: c.1613C>G on transcript NM_001370259.2 (MANE Select); coding-DNA position 1613, C replaced by G.
Protein change: p.Pro538Arg; replaces proline 538 with arginine.
Molecular consequence: missense variant. On other transcripts: non-coding transcript variant (4).
Genome position (GRCh38, 1-based): chr11:64,804,554, G>C on the plus strand (C>G on the coding strand, the complement: MEN1 is on the minus strand). VCF-style: chr11-64804554-G-C. GRCh37 (hg19) VCF-style: chr11-64572026-G-C.
Other names: c.1628C>G, p.Pro543Arg (NM_000244.4, NM_001407145.1, NM_130800.3 and 4 more transcripts); c.1739C>G, p.Pro580Arg (NM_001370251.2, NM_001407142.1, NM_001407143.1 and 1 more transcripts); c.1613C>G, p.Pro538Arg (NM_001370260.2, NM_001370261.2, NM_001407146.1 and 2 more transcripts); c.1508C>G, p.Pro503Arg (NM_001370262.2, NM_001370263.2, NM_001407148.1 and 1 more transcripts); c.1754C>G, p.Pro585Arg (NM_001407150.1); c.1634C>G, p.Pro545Arg (NM_001407151.1); c.1448C>G, p.Pro483Arg (NM_001407152.1); short protein forms P545R, P538R, P543R, P580R, P585R, P483R, P503R.
Identifiers: ClinVar variation 3634187 (VCV003634187.2).